The following is an entry in ClinVar:

NM_001329943.3(KIAA0586):c.3479A>C (p.Glu1160Ala)

Gene: KIAA0586 (KIAA0586; plus strand). Cytogenetic location: 14q23.1.
Variant type: single nucleotide variant.
Coding change: c.3479A>C on transcript NM_001329943.3 (MANE Select); coding-DNA position 3479, A replaced by C.
Protein change: p.Glu1160Ala; replaces glutamic acid 1160 with alanine.
Molecular consequence: missense variant.
Genome position (GRCh38, 1-based): chr14:58,488,061, A>C. VCF-style: chr14-58488061-A-C. GRCh37 (hg19) VCF-style: chr14-58954779-A-C.
Other names: c.3638A>C, p.Glu1213Ala (NM_001244189.2); c.3434A>C, p.Glu1145Ala (NM_001244190.2); c.3224A>C, p.Glu1075Ala (NM_001244191.2, NM_001329945.2, NM_001364700.1 and 1 more transcripts); c.3347A>C, p.Glu1116Ala (NM_001244192.2); c.3059A>C, p.Glu1020Ala (NM_001244193.2); c.3479A>C, p.Glu1160Ala (NM_001329944.2, NM_001329946.2, NM_001329947.2); c.3251A>C, p.Glu1084Ala (NM_014749.5); short protein forms E1075A, E1145A, E1020A, E1084A, E1116A, E1160A, E1213A.
Identifiers: ClinVar variation 1934661 (VCV001934661.5), dbSNP rs2543672619, ClinGen allele CA389882142.
Genomic context (GRCh38, chr14:58,488,061, plus strand): 5'-AATTGAAGGTATCAAGCCCAGAGCTTCCCAAGCCATGGGGTGATGGAGACCTGCCACTGG[A>C]AGAAGAGAACCCTAACTCACCTCAAGAAGAACTTCATCCAAGAGCTATGTAAATGAGAAC-3'
Protein context (NP_001316872.1, residues 1150-1170): KPWGDGDLPL[Glu1160Ala]EENPNSPQEE

ClinVar aggregate classification (germline): Uncertain significance (1 of 4 stars; one submission).

Conditions:
Short-rib thoracic dysplasia 14 with polydactyly (SRTD14). Identifiers: Orphanet 397715, MedGen C4225286, MONDO:0014688, OMIM 616546.
Joubert syndrome 23 (JBTS23). Identifiers: Orphanet 475, MedGen C4084822, MONDO:0014664, OMIM 616490.

Allele frequency attached by ClinVar (database versions not stated): gnomAD exomes below 0.00001.
gnomAD v4.1: 2 of 1,610,178 alleles (0.00012%); highest among the groups gnomAD compares: Admixed American, 0.0034%; no homozygotes.

Submission:

Labcorp Genetics (formerly Invitae), Labcorp
Classification: Uncertain significance for Joubert syndrome 23; Short-rib thoracic dysplasia 14 with polydactyly. Last evaluated: 2023-05-15. Review status: criteria provided, single submitter. Criteria: Invitae Variant Classification Sherloc (09022015). Collection method: clinical testing. Allele origin: germline.
Comment: This sequence change replaces glutamic acid, which is acidic and polar, with alanine, which is neutral and non-polar, at codon 1213 of the KIAA0586 protein (p.Glu1213Ala). This variant is not present in population databases (gnomAD no frequency). This variant has not been reported in the literature in individuals affected with KIAA0586-related conditions. ClinVar contains an entry for this variant (Variation ID: 1934661). Advanced modeling of protein sequence and biophysical properties (such as structural, functional, and spatial information, amino acid conservation, physicochemical variation, residue mobility, and thermodynamic stability) performed at Invitae indicates that this missense variant is not expected to disrupt KIAA0586 protein function. In summary, the available evidence is currently insufficient to determine the role of this variant in disease. Therefore, it has been classified as a Variant of Uncertain Significance.